The following is an entry in ClinVar:

NM_001114753.3(ENG):c.506T>C (p.Leu169Pro)

Gene: ENG (endoglin; minus strand). Cytogenetic location: 9q34.11.
Variant type: single nucleotide variant.
Coding change: c.506T>C on transcript NM_001114753.3 (MANE Select); coding-DNA position 506, T replaced by C.
Protein change: p.Leu169Pro; replaces leucine 169 with proline.
Molecular consequence: missense variant. On other transcripts: 5 prime UTR variant (1).
Genome position (GRCh38, 1-based): chr9:127,826,527, A>G on the plus strand (T>C on the coding strand, the complement: ENG is on the minus strand). VCF-style: chr9-127826527-A-G. GRCh37 (hg19) VCF-style: chr9-130588806-A-G.
Other names: c.506T>C, p.Leu169Pro (NM_000118.4, NM_001406715.1); c.-41T>C (NM_001278138.2); short protein forms L169P.
Identifiers: ClinVar variation 2586946 (VCV002586946.2), dbSNP rs2539077645, ClinGen allele CA374984123.

ClinVar aggregate classification (germline): Likely pathogenic (1 of 4 stars; one submission).

Conditions:
Cardiovascular phenotype. Identifiers: MedGen CN230736.

Submission:

Ambry Genetics
Classification: Likely pathogenic for Cardiovascular phenotype. Last evaluated: 2023-09-13. Review status: criteria provided, single submitter. Criteria: Ambry Variant Classification Scheme 2023. Collection method: clinical testing. Allele origin: germline.
Comment: The p.L169P variant (also known as c.506T>C), located in coding exon 4 of the ENG gene, results from a T to C substitution at nucleotide position 506. The leucine at codon 169 is replaced by proline, an amino acid with similar properties. This alteration has been observed in at least one individual with a personal and/or family history that is consistent with hereditary hemorrhagic telangiectasia (HHT) (Ambry internal data). Internal structural analysis indicates that this variant is structurally disruptive (Nolan-Stevaux O et al. PLoS One. 2012 Dec;7(12):e50920; Saito T et al. Cell Rep. 2017 May;19(9):1917-1928; Ambry internal data). This amino acid position is not well conserved in available vertebrate species. In addition, the in silico prediction for this alteration is inconclusive. Based on the majority of available evidence to date, this variant is likely to be pathogenic.

Literature cited by the submitters: PubMed 23300529; PubMed 28564608.